The following is an entry in ClinVar:

NM_000257.4(MYH7):c.5401G>A (p.Glu1801Lys)

Gene: MYH7 (myosin heavy chain 7; minus strand). Cytogenetic location: 14q11.2.
Variant type: single nucleotide variant.
Coding change: c.5401G>A on transcript NM_000257.4 (MANE Select); coding-DNA position 5401, G replaced by A.
Protein change: p.Glu1801Lys; replaces glutamic acid 1801 with lysine.
Molecular consequence: missense variant.
Genome position (GRCh38, 1-based): chr14:23,415,153, C>T on the plus strand (G>A on the coding strand, the complement: MYH7 is on the minus strand). VCF-style: chr14-23415153-C-T. GRCh37 (hg19) VCF-style: chr14-23884362-C-T.
Other names: p.E1801K:GAG>AAG; NM_000257.3(MYH7):c.5401G>A; short protein forms E1801K.
Identifiers: ClinVar variation 43069 (VCV000043069.20), dbSNP rs397516248, ClinGen allele CA016087.

ClinVar aggregate classification (germline): Likely pathogenic. Review status: reviewed by expert panel (3 of 4 stars). 10 submissions from 10 submitters: Likely pathogenic (1). 9 of the submissions do not count toward it. Last evaluated 2016-12-15.

Conditions:
MYH7-related disorder. Also called: MYH7-related disorders; MYH7-related condition; MYH7-related disease.
Primary dilated cardiomyopathy (DCM). Also called: Dilated Cardiomyopathy. Identifiers: Orphanet 217604, MedGen C0007193, MeSH D002311, MONDO:0005021, HP:0001644. Inheritance: Various modes of inheritance.
Neuromuscular disease. Also called: Neuromuscular disorder; Neuromyopathy. Identifiers: Orphanet 68381, MedGen C0027868, MeSH D009468, MONDO:0019056.
Myosin storage myopathy (CMYO7A). Also called: MYOPATHY WITH LYSIS OF TYPE I MYOFIBRILS; MYOPATHY, HYALINE BODY, AUTOSOMAL DOMINANT; MYH7-related late-onset scapuloperoneal muscular dystrophy; Congenital myopathy 7A, myosin storage, autosomal dominant; SCAPULOPERONEAL MUSCULAR DYSTROPHY; SCAPULOPERONEAL SYNDROME, MYOPATHIC TYPE. Identifiers: Orphanet 437572, Orphanet 636965, MedGen C1842160, MONDO:0008409, OMIM 608358.
MYH7-related skeletal myopathy. Also called: Myopathy, distal, 1; Laing distal myopathy; Laing early-onset distal myopathy; MYOPATHY, DISTAL, EARLY-ONSET, AUTOSOMAL DOMINANT; MYOPATHY, LATE DISTAL HEREDITARY. Identifiers: Orphanet 59135, MedGen C4552004, MONDO:0008050, OMIM 160500.
Dilated cardiomyopathy 1S (CMD1S). Identifiers: Orphanet 154, Orphanet 54260, MedGen C1834481, MONDO:0013262, OMIM 613426.
Hypertrophic cardiomyopathy. Also called: HYPERTROPHIC MYOCARDIOPATHY. Identifiers: Orphanet 217569, MedGen C0007194, MeSH D002312, MONDO:0005045, HP:0001639.

Submissions (10):

ClinGen Cardiomyopathy Variant Curation Expert Panel
Classification: Likely pathogenic for Primary dilated cardiomyopathy. Last evaluated: 2016-12-15. Review status: reviewed by expert panel. Criteria: ClinGen CMP ACMG Specifications v1. Collection method: curation. Allele origin: germline. Inheritance: Autosomal dominant inheritance.
Comment: The c.5401G>A (p.Glu1801Lys) variant in MYH7 has been reported in 4 individuals with dilated cardiomyopathy, one of whom had additional myopathy features (PS4_Supporting; PMID:19477645; Partners LMM ClinVar SCV000059616.5). Additionally, in two of the probands with dilated cardiomyopathy, the variant occurred de novo (PM6; Partners LMM ClinVar SCV000059616.5). This variant was absent from large population studies (PM2). Computational prediction tools and conservation analysis suggest that this variant may impact the protein (PP3). In summary, this variant meets criteria to be classified as likely pathogenic for dilated cardiomyopathy in an autosomal dominant manner. MYH7-specific ACMG/AMP criteria applied (PMID:29300372): PM2; PM6; PP3; PS4_ Supporting

GeneDx
Classification: Pathogenic. Last evaluated: 2026-08-17. Review status: criteria provided, single submitter. Criteria: GeneDx Variant Classification Process June 2021. Collection method: clinical testing. Allele origin: germline. Not counted in ClinVar's aggregate classification.
Comment: Not observed at significant frequency in large population cohorts (gnomAD); In silico analysis supports that this missense variant has a deleterious effect on protein structure/function; This variant is associated with the following publications: (PMID: 24664454, 25961035, 24503780, 19477645, 22918376, 27532257, 28606303, 28855170, 25576864, 32600061, 36396199, 36129056, 34819141, 29300372, 39102614, Vepslinen2022[CaseReport], 30874888, 31514951, 33309763, 35288587, 35653365, 35838873, 33500567, 39448255, 37652022, 27387980)

3billion
Classification: Likely pathogenic for Dilated cardiomyopathy 1S. Last evaluated: 2025-12-26. Review status: criteria provided, single submitter. Criteria: ACMG Guidelines, 2015. Collection method: clinical testing. Allele origin: germline. Affected: yes. Not counted in ClinVar's aggregate classification.
Comment: The variant is not observed in the gnomAD v4.1.0 dataset. Predicted Consequence/Location: Missense variant In silico tool predictions suggest damaging effect of the variant on gene or gene product [REVEL: 0.81 (>=0.6, sensitivity 0.68 and specificity 0.92); 3Cnet: 0.99 (> 0.75, sensitivity 0.96 and precision 0.92)]. The same nucleotide change resulting in the same amino acid change has been previously reported as pathogenic/likely pathogenic with strong evidence (ClinVar ID: VCV000043069 /PMID: 24503780). A different missense change at the same codon (p.Glu1801Gly) has been reported to be associated with MYH7-related disorder (PMID: 21750094). Therefore, this variant is classified as Likely pathogenic according to the recommendation of ACMG/AMP guideline.

Labcorp Genetics (formerly Invitae), Labcorp
Classification: Pathogenic for Hypertrophic cardiomyopathy. Last evaluated: 2025-11-30. Review status: criteria provided, single submitter. Criteria: Invitae Variant Classification Sherloc (09022015). Collection method: clinical testing. Allele origin: germline. Not counted in ClinVar's aggregate classification.
Comment: This sequence change replaces glutamic acid, which is acidic and polar, with lysine, which is basic and polar, at codon 1801 of the MYH7 protein (p.Glu1801Lys). This variant is not present in population databases (gnomAD no frequency). This missense change has been observed in individuals with autosomal dominant MYH7-related conditions (PMID: 19477645, 24503780, 24664454, 27532257, 28855170). It has also been observed to segregate with disease in related individuals. ClinVar contains an entry for this variant (Variation ID: 43069). Invitae Evidence Modeling of protein sequence and biophysical properties (such as structural, functional, and spatial information, amino acid conservation, physicochemical variation, residue mobility, and thermodynamic stability) indicates that this missense variant is expected to disrupt MYH7 protein function with a positive predictive value of 95%. For these reasons, this variant has been classified as Pathogenic.

Clinical Genetics Laboratory, Skane University Hospital Lund
Classification: Pathogenic. Last evaluated: 2022-09-23. Review status: criteria provided, single submitter. Criteria: ACMG Guidelines, 2015. Collection method: clinical testing. Allele origin: germline. Affected: yes. Not counted in ClinVar's aggregate classification.

MGZ Medical Genetics Center
Classification: Likely pathogenic for Myosin storage myopathy. Last evaluated: 2022-06-10. Review status: criteria provided, single submitter. Criteria: ACMG Guidelines, 2015. Collection method: clinical testing. Allele origin: germline. Affected: yes. Observed: 1 variant allele. Not counted in ClinVar's aggregate classification.
Comment: ACMG criteria applied: PS4_MOD, PM6, PM2_SUP, PP3

Blueprint Genetics
Classification: Pathogenic for MYH7-related disorders. Last evaluated: 2018-06-18. Review status: criteria provided, single submitter. Criteria: ACMG Guidelines, 2015. Collection method: clinical testing. Allele origin: germline. Affected: yes. Observed: 2 variant alleles. Not counted in ClinVar's aggregate classification.

Institute of Human Genetics Munich, TUM University Hospital
Classification: Pathogenic for MYH7-related skeletal myopathy. Last evaluated: 2017-12-13. Review status: criteria provided, single submitter. Criteria: Classification criteria August 2017. Collection method: clinical testing. Allele origin: germline. Inheritance: Autosomal dominant inheritance. Affected: yes. Observed: 1 heterozygote. Not counted in ClinVar's aggregate classification.

Laboratory for Molecular Medicine, Mass General Brigham Personalized Medicine
Classification: Pathogenic for Primary dilated cardiomyopathy; Neuromuscular disease. Last evaluated: 2014-11-25. Review status: criteria provided, single submitter. Criteria: LMM Criteria. Collection method: clinical testing. Allele origin: germline. Inheritance: Autosomal dominant inheritance. Observed: 3 variant alleles. Not counted in ClinVar's aggregate classification.
Comment: The p.Glu1801Lys variant in MYH7 has been reported in 1 individual with early on set distal myopathy and late onset DCM (Udd 2009) as well as 1 individual with e arly onset distal myopathy and HCM (Lamont 2014). The p.Glu1801Lys variant has a lso been identified by our laboratory in three infants with DCM and occurred de novo in two of them (LMM unpublished data). Additionally, this variant was abse nt from large population studies. Glutamic acid (Glu) is highly conserved in mam mals and across evolutionarily distant species and the change to lysine (Lys) wa s predicted to be pathogenic using a computational tool, which was validated by our laboratory using a set of cardiomyopathy variants with well-established clin ical significance. This tool's pathogenic prediction is estimated to be correct 94% of the time (Jordan 2011). In summary, this variant meets our criteria to be classified as pathogenic for Laing distal myopathy with cardiomyopathy in an au tosomal dominant manner base d upon absence from controls and multiple de novo occurrences.

Neurogenetics Laboratory, Royal Perth Hospital
Classification: Pathogenic for Myopathy, distal, 1. Last evaluated: 2013-01-01. Review status: no assertion criteria provided. Collection method: clinical testing. Allele origin: germline. Inheritance: Autosomal dominant inheritance. Affected: yes. Observed: 2 variant alleles. Not counted in ClinVar's aggregate classification.

Literature cited by the submitters: PubMed 19477645 (cited by 5 submitters); PubMed 29300372 (cited by ClinGen Cardiomyopathy Variant Curation Expert Panel); PubMed 21750094 (cited by 3billion); PubMed 24503780 (cited by 3billion and Labcorp Genetics (formerly Invitae), Labcorp); PubMed 24664454 (cited by 3 submitters); PubMed 27532257 (cited by Labcorp Genetics (formerly Invitae), Labcorp); PubMed 28855170 (cited by Labcorp Genetics (formerly Invitae), Labcorp); PubMed 22918376 (cited by Laboratory for Molecular Medicine, Mass General Brigham Personalized Medicine); PubMed 25576864 (cited by Laboratory for Molecular Medicine, Mass General Brigham Personalized Medicine).